The following is an entry in ClinVar:

ClinVar aggregate classification (germline): Conflicting classifications of pathogenicity. Review status: criteria provided, conflicting classifications (1 of 4 stars). 3 submissions from 3 submitters: Uncertain significance (1); Likely benign (2). Last evaluated 2026-01-11.

Conditions:
F12-related disorder. Also called: F12-related disorders; F12-related condition. Identifiers: MedGen CN239389.
Inborn genetic diseases. Identifiers: MedGen C0950123, MeSH D030342.

Allele frequency attached by ClinVar (database versions not stated): gnomAD exomes 0.00008 and 0.00021; ExAC 0.00024; ESP Exome Variant Server 0.00039; 1000 Genomes Project 30x 0.00047; 1000 Genomes Project 0.00060; gnomAD 0.00090 and 0.00091; TOPMed 0.00103.
gnomAD v4.1: 260 of 1,602,826 alleles (0.016%); highest among the groups gnomAD compares: African/African-American, 0.24%; 1 homozygote.

Submissions (3):

PreventionGenetics, part of Exact Sciences
Classification: Likely benign for F12-related condition. Last evaluated: 2026-01-11. Review status: criteria provided, single submitter. Criteria: ACMG Guidelines, 2015. Collection method: clinical testing. Allele origin: germline.
Comment: This variant is classified as likely benign based on ACMG/AMP sequence variant interpretation guidelines (Richards et al. 2015 PMID: 25741868, with internal and published modifications).

Labcorp Genetics (formerly Invitae), Labcorp
Classification: Likely benign. Last evaluated: 2024-11-28. Review status: criteria provided, single submitter. Criteria: Invitae Variant Classification Sherloc (09022015). Collection method: clinical testing. Allele origin: germline.

Ambry Genetics
Classification: Uncertain significance for Inborn genetic diseases. Last evaluated: 2022-05-26. Review status: criteria provided, single submitter. Criteria: Ambry Variant Classification Scheme 2023. Collection method: clinical testing. Allele origin: germline.

NM_000505.4(F12):c.757G>C (p.Glu253Gln)

Gene: F12 (coagulation factor XII; minus strand). Cytogenetic location: 5q35.3.
Variant type: single nucleotide variant.
Coding change: c.757G>C on transcript NM_000505.4 (MANE Select); coding-DNA position 757, G replaced by C.
Protein change: p.Glu253Gln; replaces glutamic acid 253 with glutamine.
Molecular consequence: missense variant.
Genome position (GRCh38, 1-based): chr5:177,404,542, C>G on the plus strand (G>C on the coding strand, the complement: F12 is on the minus strand). VCF-style: chr5-177404542-C-G. GRCh37 (hg19) VCF-style: chr5-176831543-C-G.
Other names: short protein forms E253Q.
Identifiers: ClinVar variation 696497 (VCV000696497.10), dbSNP rs61743702, ClinGen allele CA3581399.